The following is an entry in ClinVar:

ClinVar aggregate classification (germline): Pathogenic (1 of 4 stars; one submission).

Submission:

GeneDx
Classification: Pathogenic. Last evaluated: 2022-05-12. Review status: criteria provided, single submitter. Criteria: GeneDx Variant Classification Process June 2021. Collection method: clinical testing. Allele origin: germline. Affected: yes.
Comment: Nonsense variant predicted to result in protein truncation or nonsense mediated decay in a gene for which loss of function is a known mechanism of disease; Not observed at significant frequency in large population cohorts (gnomAD); This variant is associated with the following publications: (PMID: 30482549, 27159321)

NM_020699.4(GATAD2B):c.820C>T (p.Gln274Ter)

Gene: GATAD2B (GATA zinc finger domain containing 2B; minus strand). Cytogenetic location: 1q21.3.
Variant type: single nucleotide variant.
Coding change: c.820C>T on transcript NM_020699.4 (MANE Select); coding-DNA position 820, C replaced by T.
Protein change: p.Gln274Ter; replaces glutamine 274 with a stop codon.
Molecular consequence: nonsense.
Genome position (GRCh38, 1-based): chr1:153,817,452, G>A on the plus strand (C>T on the coding strand, the complement: GATAD2B is on the minus strand). VCF-style: chr1-153817452-G-A. GRCh37 (hg19) VCF-style: chr1-153789928-G-A.
Other names: short protein forms Q274*.
Identifiers: ClinVar variation 1684116 (VCV001684116.2), dbSNP rs2101880713, ClinGen allele CA342530287.
Genomic context (GRCh38, chr1:153,817,452, plus strand): 5'-GATTCATGTTGGGTGTTGTGGTGCGTACAAGGCCAGGCTTAGGCGGGCCCCGCTGACCCT[G>A]TAGCTGGGCTGGGTTTGGTGCAATAACACGTTGAGACATCAACATGTGTGGAAGGGTGGT-3'